The following is an entry in ClinVar:

NM_001291303.3(FAT4):c.12340A>G (p.Ile4114Val)

Gene: FAT4 (FAT atypical cadherin 4; plus strand). Cytogenetic location: 4q28.1.
Variant type: single nucleotide variant.
Coding change: c.12340A>G on transcript NM_001291303.3 (MANE Select); coding-DNA position 12340, A replaced by G.
Protein change: p.Ile4114Val; replaces isoleucine 4114 with valine.
Molecular consequence: missense variant.
Genome position (GRCh38, 1-based): chr4:125,477,195, A>G. VCF-style: chr4-125477195-A-G. GRCh37 (hg19) VCF-style: chr4-126398350-A-G.
Other names: c.12340A>G, p.Ile4114Val (NM_001291285.3); c.12334A>G, p.Ile4112Val (NM_024582.6); c.12334A>G (NM_024582.4, NM_024582.5); short protein forms I4112V, I4114V.
Identifiers: ClinVar variation 1447491 (VCV001447491.7), dbSNP rs948622582, ClinGen allele CA104865138.
Genomic context (GRCh38, chr4:125,477,195, plus strand): 5'-ATCTTCCATTATTTATTTAGGACTCTTGATGTTCAGCCAAATAGAGTTACAGTTGGAGGT[A>G]TCAGATCTCTAGAACCAATCCTTCAGAGAAGAGGACACGTGGAAAGCCATGATTTTGTTG-3'
Protein context (NP_001278232.1, residues 4104-4124): VQPNRVTVGG[Ile4114Val]RSLEPILQRR

ClinVar aggregate classification (germline): Uncertain significance. Review status: criteria provided, multiple submitters, no conflicts (2 of 4 stars). 3 submissions from 3 submitters: Uncertain significance (3). Last evaluated 2026-01-18.

Conditions:
Inborn genetic diseases. Identifiers: MedGen C0950123, MeSH D030342.
Van Maldergem syndrome 2 (VMLDS2). Identifiers: Orphanet 314679, MedGen C3809875, MONDO:0014242, OMIM 615546.
Hennekam lymphangiectasia-lymphedema syndrome 2 (HKLLS2). Identifiers: Orphanet 2136, MedGen C4014939, MONDO:0014454, OMIM 616006.

Allele frequency attached by ClinVar (database versions not stated): gnomAD exomes below 0.00001; gnomAD 0.00001.

Submissions (3):

Labcorp Genetics (formerly Invitae), Labcorp
Classification: Uncertain significance. Last evaluated: 2026-01-18. Review status: criteria provided, single submitter. Criteria: Invitae Variant Classification Sherloc (09022015). Collection method: clinical testing. Allele origin: germline.
Comment: This sequence change replaces isoleucine, which is neutral and non-polar, with valine, which is neutral and non-polar, at codon 4112 of the FAT4 protein (p.Ile4112Val). This variant is present in population databases (no rsID available, gnomAD 0.007%). This variant has not been reported in the literature in individuals affected with FAT4-related conditions. ClinVar contains an entry for this variant (Variation ID: 1447491). Invitae Evidence Modeling of protein sequence and biophysical properties (such as structural, functional, and spatial information, amino acid conservation, physicochemical variation, residue mobility, and thermodynamic stability) indicates that this missense variant is not expected to disrupt FAT4 protein function with a negative predictive value of 95%. In summary, the available evidence is currently insufficient to determine the role of this variant in disease. Therefore, it has been classified as a Variant of Uncertain Significance.

Ambry Genetics
Classification: Uncertain significance for Inborn genetic diseases. Last evaluated: 2025-06-29. Review status: criteria provided, single submitter. Criteria: Ambry Variant Classification Scheme 2023. Collection method: clinical testing. Allele origin: germline.

Fulgent Genetics
Classification: Uncertain significance for Van Maldergem syndrome 2; Hennekam lymphangiectasia-lymphedema syndrome 2. Last evaluated: 2024-05-16. Review status: criteria provided, single submitter. Criteria: ACMG Guidelines, 2015. Collection method: clinical testing. Allele origin: germline.